The following is an entry in ClinVar:

NM_000059.4(BRCA2):c.4847T>G (p.Leu1616Ter)

Gene: BRCA2 (BRCA2 DNA repair associated; plus strand). Cytogenetic location: 13q13.1.
Variant type: single nucleotide variant.
Coding change: c.4847T>G on transcript NM_000059.4 (MANE Select); coding-DNA position 4847, T replaced by G.
Protein change: p.Leu1616Ter; replaces leucine 1616 with a stop codon.
Molecular consequence: nonsense.
Genome position (GRCh38, 1-based): chr13:32,339,202, T>G. VCF-style: chr13-32339202-T-G. GRCh37 (hg19) VCF-style: chr13-32913339-T-G.
Other names: 5075T>G; short protein forms L1616*.
Identifiers: ClinVar variation 91826 (VCV000091826.11), dbSNP rs398122786, ClinGen allele CA020903.

ClinVar aggregate classification (germline): Pathogenic. Review status: reviewed by expert panel (3 of 4 stars). 4 submissions from 4 submitters: Pathogenic (1). 3 of the submissions do not count toward it. Last evaluated 2016-09-08.

Conditions:
Hereditary cancer-predisposing syndrome. Also called: Tumor predisposition; Hereditary Cancer Syndrome; Neoplastic Syndromes, Hereditary; Hereditary neoplastic syndrome. Identifiers: Orphanet 140162, MedGen C0027672, MeSH D009386, MONDO:0015356.
Hereditary breast ovarian cancer syndrome. Also called: Breast and ovarian cancer; Hereditary breast and ovarian cancer; Hereditary breast and ovarian cancer syndrome; BRCA1- and BRCA2-Associated Hereditary Breast and Ovarian Cancer; Hereditary breast and ovarian cancer syndrome (HBOC); Hereditary breast and/or ovarian cancer syndrome. Identifiers: Orphanet 145, MedGen C0677776, MeSH D061325, MONDO:0003582. Disease mechanism: loss of function.
Breast-ovarian cancer, familial, susceptibility to, 2 (BROVCA2). Also called: BRCA2 Hereditary Breast and Ovarian Cancer. Identifiers: Orphanet 145, MedGen C2675520, MONDO:0012933, OMIM 612555. Disease mechanism: loss of function.

Submissions (4):

Evidence-based Network for the Interpretation of Germline Mutant Alleles (ENIGMA)
Classification: Pathogenic for Breast-ovarian cancer, familial, susceptibility to, 2. Last evaluated: 2016-09-08. Review status: reviewed by expert panel. Criteria: ENIGMA BRCA1/2 Classification Criteria (2015). Collection method: curation. Allele origin: germline.
Comment: Variant allele predicted to encode a truncated non-functional protein.

Labcorp Genetics (formerly Invitae), Labcorp
Classification: Pathogenic for Hereditary breast ovarian cancer syndrome. Last evaluated: 2025-11-03. Review status: criteria provided, single submitter. Criteria: Invitae Variant Classification Sherloc (09022015). Collection method: clinical testing. Allele origin: germline. Not counted in ClinVar's aggregate classification.
Comment: This sequence change creates a premature translational stop signal (p.Leu1616*) in the BRCA2 gene. It is expected to result in an absent or disrupted protein product. Loss-of-function variants in BRCA2 are known to be pathogenic (PMID: 20104584). This variant is not present in population databases (gnomAD no frequency). This premature translational stop signal has been observed in individual(s) with breast and/or ovarian cancer (PMID: 28176296, 30702160, 31825140). ClinVar contains an entry for this variant (Variation ID: 91826). For these reasons, this variant has been classified as Pathogenic.

Ambry Genetics
Classification: Pathogenic for Hereditary cancer-predisposing syndrome. Last evaluated: 2022-01-25. Review status: criteria provided, single submitter. Criteria: Ambry Variant Classification Scheme 2023. Collection method: clinical testing. Allele origin: germline. Not counted in ClinVar's aggregate classification.
Comment: The p.L1616* pathogenic mutation (also known as c.4847T>G), located in coding exon 10 of the BRCA2 gene, results from a T to G substitution at nucleotide position 4847. This changes the amino acid from a leucine to a stop codon within coding exon 10. This alteration has been identified in an individual diagnosed with ovarian cancer (Shi T et al. Int J Cancer, 2017 05;140:2051-2059). This variant is considered to be rare based on population cohorts in the Genome Aggregation Database (gnomAD). In addition to the clinical data presented in the literature, this alteration is expected to result in loss of function by premature protein truncation or nonsense-mediated mRNA decay. As such, this alteration is interpreted as a disease-causing mutation.

Sharing Clinical Reports Project (SCRP)
Classification: Pathogenic for Breast-ovarian cancer, familial 2. Last evaluated: 2011-03-22. Review status: no assertion criteria provided. Collection method: clinical testing. Allele origin: germline. Not counted in ClinVar's aggregate classification.

Literature cited by the submitters: PubMed 20104584 (cited by Labcorp Genetics (formerly Invitae), Labcorp); PubMed 28176296 (cited by Labcorp Genetics (formerly Invitae), Labcorp and Ambry Genetics); PubMed 30702160 (cited by Labcorp Genetics (formerly Invitae), Labcorp); PubMed 31825140 (cited by Labcorp Genetics (formerly Invitae), Labcorp).